The following is an entry in ClinVar:

ClinVar aggregate classification (germline): Pathogenic/Likely pathogenic. Review status: criteria provided, multiple submitters, no conflicts (2 of 4 stars). 7 submissions from 6 submitters: Pathogenic (4); Likely pathogenic (3). Last evaluated 2026-04-24.

Conditions:
Neurodevelopmental disorder with or without autism or seizures (NEDAUS). Identifiers: MedGen C5543225, MONDO:0030994, OMIM 619239.
Inborn genetic diseases. Identifiers: MedGen C0950123, MeSH D030342.
Pseudohypoaldosteronism type 2E (PHA2E). Also called: Pseudohypoaldosteronism Type IIE. Identifiers: Orphanet 300530, Orphanet 757, MedGen C3469606, MONDO:0013782, OMIM 614496.

Submissions (7):

Ambry Genetics
Classification: Pathogenic for Inborn genetic diseases. Last evaluated: 2026-04-24. Review status: criteria provided, single submitter. Criteria: Ambry Variant Classification Scheme 2023. Collection method: clinical testing. Allele origin: germline.
Comment: The c.493_494delCT (p.L165Ifs*37) alteration, located in coding exon 4 of the CUL3 gene, consists of a deletion of 2 nucleotides from position 493 to 494, causing a translational frameshift with a predicted alternate stop codon after 37 amino acids. This variant is expected to result in loss of function by premature protein truncation or nonsense-mediated mRNA decay. for CUL3-related neurodevelopmental disorder; however, its clinical significance for CUL3-related pseudohypoaldosteronism type II is uncertain. This variant was not reported in population-based cohorts in the Genome Aggregation Database (gnomAD). This variant was reported in individual(s) with features consistent with CUL3-related neurodevelopmental disorder (Ambry internal data). Based on the available evidence, this alteration is classified as pathogenic.

GeneDx
Classification: Pathogenic. Last evaluated: 2026-01-05. Review status: criteria provided, single submitter. Criteria: GeneDx Variant Classification Process June 2021. Collection method: clinical testing. Allele origin: germline. Affected: yes.
Comment: Frameshift variant predicted to result in protein truncation or nonsense mediated decay in a gene for which loss-of-function is a known mechanism of disease; Not observed at significant frequency in large population cohorts (gnomAD); Has not been previously published as pathogenic or benign to our knowledge

CeGaT Center for Human Genetics Tuebingen
Classification: Pathogenic. Last evaluated: 2025-03-01. Review status: criteria provided, single submitter. Criteria: CeGaT Center For Human Genetics Tuebingen Variant Classification Criteria Version 2. Collection method: clinical testing. Allele origin: germline. Affected: yes. Observed: 1 variant allele.
Comment: CUL3: PVS1, PM2, PS2:Moderate

Baylor Genetics
Classification: Likely pathogenic for Pseudohypoaldosteronism type 2E. Last evaluated: 2022-05-17. Review status: criteria provided, single submitter. Criteria: ACMG Guidelines, 2015. Collection method: clinical testing. Allele origin: unknown.

Baylor Genetics
Classification: Likely pathogenic for Neurodevelopmental disorder with or without autism or seizures. Last evaluated: 2022-05-17. Review status: criteria provided, single submitter. Criteria: ACMG Guidelines, 2015. Collection method: clinical testing. Allele origin: unknown.

Laboratory of Molecular Genetics (Pr. Bezieau's lab), CHU de Nantes
Classification: Likely pathogenic. Last evaluated: 2019-12-12. Review status: criteria provided, single submitter. Criteria: ACMG Guidelines, 2015. Collection method: clinical testing. Allele origin: germline. Affected: yes.

Juno Genomics, Hangzhou Juno Genomics, Inc
Classification: Pathogenic for Neurodevelopmental disorder with or without autism or seizures. Review status: criteria provided, single submitter. Criteria: ACMG Guidelines, 2015. Collection method: clinical testing. Allele origin: germline. Affected: yes.
Comment: Absent from controls (or at extremely low frequency if recessive) in Genome Aggregation Database.;Null variant in a gene where loss of function (LOF) is a known mechanism of disease.;The prevalence of the variant in affected individuals is significantly increased compared to the prevalence in controls.;Assumed de novo, but without confirmation of paternity and maternity.

NM_003590.5(CUL3):c.493_494del (p.Leu165fs)

Gene: CUL3 (cullin 3; minus strand). Cytogenetic location: 2q36.2.
Variant type: Microsatellite.
Coding change: c.493_494del on transcript NM_003590.5 (MANE Select); coding-DNA positions 493 to 494, 2 bases deleted (CT; older notation c.493_494delCT).
Protein change: p.Leu165fs; shifts the reading frame from leucine 165.
Molecular consequence: frameshift variant.
Genome position (GRCh38, 1-based): chr2:224,514,657-224,514,658, AG deleted on the plus strand (CT on the coding strand, the reverse complement: CUL3 is on the minus strand); deleting any 2 consecutive bases within chr2:224,514,657-224,514,660 gives the same sequence; the c. name uses the placement nearest the transcript's 3' end. VCF-style (leftmost placement, unchanged base first): chr2-224514656-TAG-T. GRCh37 (hg19) VCF-style: chr2-225379373-TAG-T.
Other names: c.493_494delCT (NM_003590.4); c.295_296del, p.Leu99fs (NM_001257197.2); c.511_512del, p.Leu171fs (NM_001257198.2); short protein forms L165fs, L171fs, L99fs.
Identifiers: ClinVar variation 503870 (VCV000503870.21), dbSNP rs1553523940, ClinGen allele CA645524258.